The following is an entry in ClinVar:

ClinVar aggregate classification (germline): Uncertain significance (1 of 4 stars; one submission).

Submission:

Labcorp Genetics (formerly Invitae), Labcorp
Classification: Uncertain significance. Last evaluated: 2024-03-02. Review status: criteria provided, single submitter. Criteria: Invitae Variant Classification Sherloc (09022015). Collection method: clinical testing. Allele origin: germline.
Comment: This variant, c.4585_4596del, results in the deletion of 4 amino acid(s) of the CLTC protein (p.Val1529_Cys1532del), but otherwise preserves the integrity of the reading frame. This variant is not present in population databases (gnomAD no frequency). This variant has been observed in individual(s) with clinica features of CLTC-related conditions (Invitae). Algorithms developed to predict the effect of sequence changes on RNA splicing suggest that this variant may disrupt the consensus splice site. This variant disrupts a region of the CLTC protein in which other variant(s) (p.Val1529Leu) have been observed in individuals with CLTC-related conditions (Invitae). This suggests that this is a clinically significant region of the protein, and that variants that disrupt it are likely to be disease-causing. In summary, the available evidence is currently insufficient to determine the role of this variant in disease. Therefore, it has been classified as a Variant of Uncertain Significance.

NM_004859.4(CLTC):c.4573_4584del (p.Val1525_Cys1528del)

Genes: CLTC (clathrin heavy chain; plus strand), LOC125177523 (Sharpr-MPRA regulatory region 12460; plus strand). Cytogenetic location: 17q23.1.
Variant type: Deletion.
Coding change: c.4573_4584del on transcript NM_004859.4 (MANE Select); coding-DNA positions 4573 to 4584, 12 bases deleted (GTAGAGCTGTGC).
Protein change: p.Val1525_Cys1528del.
Genome position (GRCh38, 1-based): chr17:59,685,194-59,685,205, GTAGAGCTGTGC deleted. VCF-style (leftmost placement, unchanged base first): chr17-59685193-TGTAGAGCTGTGC-T. GRCh37 (hg19) VCF-style: chr17-57762554-TGTAGAGCTGTGC-T.
Other names: c.4585_4596del, p.Val1529_Cys1532del (NM_001288653.2).
Identifiers: ClinVar variation 3644092 (VCV003644092.2).